The following is an entry in ClinVar:

NM_032776.3(JMJD1C):c.545T>C (p.Phe182Ser)

Gene: JMJD1C (jumonji domain containing 1C; minus strand). Cytogenetic location: 10q21.3.
Variant type: single nucleotide variant.
Coding change: c.545T>C on transcript NM_032776.3 (MANE Select); coding-DNA position 545, T replaced by C.
Protein change: p.Phe182Ser; replaces phenylalanine 182 with serine.
Molecular consequence: missense variant. On other transcripts: 5 prime UTR variant (3), intron variant (2).
Genome position (GRCh38, 1-based): chr10:63,219,886, A>G on the plus strand (T>C on the coding strand, the complement: JMJD1C is on the minus strand). VCF-style: chr10-63219886-A-G. GRCh37 (hg19) VCF-style: chr10-64979646-A-G.
Other names: c.-2T>C (NM_001282948.2, NM_001318154.2); c.-324T>C (NM_001318153.2); c.431T>C, p.Phe144Ser (NM_001322252.2); c.-104-2555T>C (NM_001322258.2, NM_001322254.2); short protein forms F182S, F144S.
Identifiers: ClinVar variation 3728187 (VCV003728187.2).

ClinVar aggregate classification (germline): Uncertain significance (1 of 4 stars; one submission).

Conditions:
Early Myoclonic Encephalopathy. Identifiers: MedGen C0270855.

Submission:

Labcorp Genetics (formerly Invitae), Labcorp
Classification: Uncertain significance for Early Myoclonic Encephalopathy. Last evaluated: 2024-12-28. Review status: criteria provided, single submitter. Criteria: Invitae Variant Classification Sherloc (09022015). Collection method: clinical testing. Allele origin: germline.
Comment: This sequence change replaces phenylalanine, which is neutral and non-polar, with serine, which is neutral and polar, at codon 182 of the JMJD1C protein (p.Phe182Ser). This variant is not present in population databases (gnomAD no frequency). This variant has not been reported in the literature in individuals affected with JMJD1C-related conditions. An algorithm developed to predict the effect of missense changes on protein structure and function (PolyPhen-2) suggests that this variant is likely to be disruptive. In summary, the available evidence is currently insufficient to determine the role of this variant in disease. Therefore, it has been classified as a Variant of Uncertain Significance.